The following is an entry in ClinVar:

NM_020964.3(EPG5):c.1511A>C (p.His504Pro)

Gene: EPG5 (ectopic P-granules 5 autophagy tethering factor; minus strand). Cytogenetic location: 18q21.1.
Variant type: single nucleotide variant.
Coding change: c.1511A>C on transcript NM_020964.3 (MANE Select); coding-DNA position 1511, A replaced by C.
Protein change: p.His504Pro; replaces histidine 504 with proline.
Molecular consequence: missense variant.
Genome position (GRCh38, 1-based): chr18:45,948,563, T>G on the plus strand (A>C on the coding strand, the complement: EPG5 is on the minus strand). VCF-style: chr18-45948563-T-G. GRCh37 (hg19) VCF-style: chr18-43528529-T-G.
Other names: short protein forms H504P.
Identifiers: ClinVar variation 863268 (VCV000863268.8), dbSNP rs754120095, ClinGen allele CA8949694.

ClinVar aggregate classification (germline): Uncertain significance. Review status: criteria provided, multiple submitters, no conflicts (2 of 4 stars). 2 submissions from 2 submitters: Uncertain significance (2). Last evaluated 2024-05-07.

Conditions:
Inborn genetic diseases. Identifiers: MedGen C0950123, MeSH D030342.
Vici syndrome (VICIS). Identifiers: Orphanet 1493, MedGen C1855772, MONDO:0009452, OMIM 242840.

Allele frequency attached by ClinVar (database versions not stated): ExAC 0.00003; gnomAD 0.00003; gnomAD exomes 0.00004; TOPMed 0.00008.

Submissions (2):

Ambry Genetics
Classification: Uncertain significance for Inborn genetic diseases. Last evaluated: 2024-05-07. Review status: criteria provided, single submitter. Criteria: Ambry Variant Classification Scheme 2023. Collection method: clinical testing. Allele origin: germline.

Labcorp Genetics (formerly Invitae), Labcorp
Classification: Uncertain significance for Vici syndrome. Last evaluated: 2022-10-13. Review status: criteria provided, single submitter. Criteria: Invitae Variant Classification Sherloc (09022015). Collection method: clinical testing. Allele origin: germline.
Comment: This sequence change replaces histidine, which is basic and polar, with proline, which is neutral and non-polar, at codon 504 of the EPG5 protein (p.His504Pro). This variant is present in population databases (rs754120095, gnomAD 0.005%). This variant has not been reported in the literature in individuals affected with EPG5-related conditions. ClinVar contains an entry for this variant (Variation ID: 863268). Advanced modeling of protein sequence and biophysical properties (such as structural, functional, and spatial information, amino acid conservation, physicochemical variation, residue mobility, and thermodynamic stability) performed at Invitae indicates that this missense variant is not expected to disrupt EPG5 protein function. In summary, the available evidence is currently insufficient to determine the role of this variant in disease. Therefore, it has been classified as a Variant of Uncertain Significance.